The following is an entry in ClinVar:

NM_000452.3(SLC10A2):c.398C>T (p.Ser133Phe)

Gene: SLC10A2 (solute carrier family 10 member 2; minus strand). Cytogenetic location: 13q33.1.
Variant type: single nucleotide variant.
Coding change: c.398C>T on transcript NM_000452.3 (MANE Select); coding-DNA position 398, C replaced by T.
Protein change: p.Ser133Phe; replaces serine 133 with phenylalanine.
Molecular consequence: missense variant.
Genome position (GRCh38, 1-based): chr13:103,058,362, G>A on the plus strand (C>T on the coding strand, the complement: SLC10A2 is on the minus strand). VCF-style: chr13-103058362-G-A. GRCh37 (hg19) VCF-style: chr13-103710712-G-A.
Other names: p.Ser133Phe; c.398C>T (NM_000452.2); short protein forms S133F.
Identifiers: ClinVar variation 2868067 (VCV002868067.4), dbSNP rs868711152, ClinGen allele CA388608336.

ClinVar aggregate classification (germline): Uncertain significance. Review status: criteria provided, multiple submitters, no conflicts (2 of 4 stars). 3 submissions from 3 submitters: Uncertain significance (3). Last evaluated 2025-11-08.

gnomAD v4.1: 1 of 1,613,406 alleles (0.000062%); highest among the groups gnomAD compares: South Asian, 0.0011%; no homozygotes.

Submissions (3):

Ambry Genetics
Classification: Uncertain significance. Last evaluated: 2025-11-08. Review status: criteria provided, single submitter. Criteria: Ambry Variant Classification Scheme 2023. Collection method: clinical testing. Allele origin: germline.

Mayo Clinic Laboratories, Mayo Clinic
Classification: Uncertain significance. Last evaluated: 2024-10-21. Review status: criteria provided, single submitter. Criteria: ACMG Guidelines, 2015. Collection method: clinical testing. Allele origin: germline. Observed: 1 variant allele.
Comment: PM2_supporting

Labcorp Genetics (formerly Invitae), Labcorp
Classification: Uncertain significance. Last evaluated: 2023-05-16. Review status: criteria provided, single submitter. Criteria: Invitae Variant Classification Sherloc (09022015). Collection method: clinical testing. Allele origin: germline.
Comment: In summary, the available evidence is currently insufficient to determine the role of this variant in disease. Therefore, it has been classified as a Variant of Uncertain Significance. Advanced modeling of protein sequence and biophysical properties (such as structural, functional, and spatial information, amino acid conservation, physicochemical variation, residue mobility, and thermodynamic stability) performed at Invitae indicates that this missense variant is expected to disrupt SLC10A2 protein function. This variant has not been reported in the literature in individuals affected with SLC10A2-related conditions. This variant is not present in population databases (gnomAD no frequency). This sequence change replaces serine, which is neutral and polar, with phenylalanine, which is neutral and non-polar, at codon 133 of the SLC10A2 protein (p.Ser133Phe).